The following is an entry in ClinVar:

NM_014363.6(SACS):c.5188A>C (p.Ser1730Arg)

Gene: SACS (sacsin molecular chaperone; minus strand). Cytogenetic location: 13q12.12.
Variant type: single nucleotide variant.
Coding change: c.5188A>C on transcript NM_014363.6 (MANE Select); coding-DNA position 5188, A replaced by C.
Protein change: p.Ser1730Arg; replaces serine 1730 with arginine.
Molecular consequence: missense variant.
Genome position (GRCh38, 1-based): chr13:23,338,688, T>G on the plus strand (A>C on the coding strand, the complement: SACS is on the minus strand). VCF-style: chr13-23338688-T-G. GRCh37 (hg19) VCF-style: chr13-23912827-T-G.
Other names: c.4747A>C, p.Ser1583Arg (NM_001278055.2); short protein forms S1583R, S1730R.
Identifiers: ClinVar variation 1806985 (VCV001806985.9), dbSNP rs760926837, ClinGen allele CA6911283.
Genomic context (GRCh38, chr13:23,338,688, plus strand): 5'-GAAGCTTTTTATTACTGCTGCTGCAAGTCTTCATGAGCTTAGCAGCCTCTTTTAAAACAC[T>G]TAAGACAGGTGTGTTCAATGCTTTGGAAGAGCAGGATTTTTTTTTAATTATTACTGTATC-3'
Protein context (NP_055178.3, residues 1720-1740): SSKALNTPVL[Ser1730Arg]VLKEAAKLMK

ClinVar aggregate classification (germline): Conflicting classifications of pathogenicity. Review status: criteria provided, conflicting classifications (1 of 4 stars). 4 submissions from 4 submitters: Uncertain significance (3); Likely benign (1). Last evaluated 2026-01-20.

Conditions:
Inborn genetic diseases. Identifiers: MedGen C0950123, MeSH D030342.
Spastic paraplegia. Identifiers: MedGen C0037772, HP:0001258.

Allele frequency attached by ClinVar (database versions not stated): ExAC 0.00005.
gnomAD v4.1: 18 of 1,614,018 alleles (0.0011%); highest among the groups gnomAD compares: South Asian, 0.014%; no homozygotes.

Submissions (4):

Labcorp Genetics (formerly Invitae), Labcorp
Classification: Likely benign for Spastic paraplegia. Last evaluated: 2026-01-20. Review status: criteria provided, single submitter. Criteria: Invitae Variant Classification Sherloc (09022015). Collection method: clinical testing. Allele origin: germline.

GeneDx
Classification: Uncertain significance. Last evaluated: 2024-06-27. Review status: criteria provided, single submitter. Criteria: GeneDx Variant Classification Process June 2021. Collection method: clinical testing. Allele origin: germline. Affected: yes.
Comment: In silico analysis indicates that this missense variant does not alter protein structure/function; Has not been previously published as pathogenic or benign to our knowledge

Ambry Genetics
Classification: Uncertain significance for Inborn genetic diseases. Last evaluated: 2024-06-16. Review status: criteria provided, single submitter. Criteria: Ambry Variant Classification Scheme 2023. Collection method: clinical testing. Allele origin: germline.

Athena Diagnostics
Classification: Uncertain significance. Last evaluated: 2023-04-04. Review status: criteria provided, single submitter. Criteria: Athena Diagnostics Criteria. Collection method: clinical testing. Allele origin: unknown.
Comment: Available data are insufficient to determine the clinical significance of the variant at this time. The frequency of this variant in the general population is uninformative in assessment of its pathogenicity. Computational tools disagree on the variant's effect on normal protein function.